The following is an entry in ClinVar:

ClinVar aggregate classification (germline): Uncertain significance (1 of 4 stars; one submission).

Submission:

ISCA site 4
Classification: Uncertain significance. Last evaluated: 2011-08-12. Review status: criteria provided, single submitter. Criteria: Kaminsky et al. (Genet Med. 2011). Collection method: clinical testing. Allele origin: unknown. Affected: yes. Observed: 2 variant alleles.
Comment: Copy number variation identified through the course of routine clinical cytogenomic testing in postnatal populations. Clinical assertions have been curated as described in Kaminsky et al. 2011.

GRCh38/hg38 4p16.3(chr4:51519-435002)x1

Genes: MIR571 (microRNA 571; plus strand), ZNF141 (zinc finger protein 141; plus strand), ZNF595 (zinc finger protein 595; plus strand), ZNF718 (zinc finger protein 718; plus strand), ZNF732 (zinc finger protein 732; minus strand) and 5 more. Cytogenetic location: 4p16.3.
Variant type: copy number loss.
Change: copy number 1 (one copy instead of two) of chr4:51,519-435,002 (383.5 kb, GRCh38 coordinates, 1-based), cytogenetic band 4p16.3.
Identifiers: ClinVar variation 57181 (VCV000057181.1).